The following is an entry in ClinVar:

NM_003664.5(AP3B1):c.2210A>G (p.Lys737Arg)

Gene: AP3B1 (adaptor related protein complex 3 subunit beta 1; minus strand). Cytogenetic location: 5q14.1.
Variant type: single nucleotide variant.
Coding change: c.2210A>G on transcript NM_003664.5 (MANE Select); coding-DNA position 2210, A replaced by G.
Protein change: p.Lys737Arg; replaces lysine 737 with arginine.
Molecular consequence: missense variant.
Genome position (GRCh38, 1-based): chr5:78,113,791, T>C on the plus strand (A>G on the coding strand, the complement: AP3B1 is on the minus strand). VCF-style: chr5-78113791-T-C. GRCh37 (hg19) VCF-style: chr5-77409615-T-C.
Other names: c.2063A>G, p.Lys688Arg (NM_001271769.2); short protein forms K737R, K688R.
Identifiers: ClinVar variation 1353081 (VCV001353081.8), dbSNP rs780784576, ClinGen allele CA3316829.
Genomic context (GRCh38, chr5:78,113,791, plus strand): 5'-AATTCTGACAAAATAAGTTACCTTTTTCCTTTGGCTTTTGAGTTCCTCTTGGCTGTTCTT[T>C]TGTTTTCTAGGCCTGACTCCCGTCCACTCTCACTGTCCTGCTCACTGGAGGAGTCCTCAC-3'
Protein context (NP_003655.3, residues 727-747): ESGRESGLEN[Lys737Arg]RTAKRNSKAK

ClinVar aggregate classification (germline): Uncertain significance (1 of 4 stars; one submission).

Conditions:
Hermansky-Pudlak syndrome 2 (HPS2). Also called: Platelet defects and oculocutaneous albinism. Identifiers: Orphanet 183678, Orphanet 79430, MedGen C1842362, MONDO:0011997, OMIM 608233.

Allele frequency attached by ClinVar (database versions not stated): gnomAD exomes 0.00001; ExAC 0.00002.

Submission:

Labcorp Genetics (formerly Invitae), Labcorp
Classification: Uncertain significance for Hermansky-Pudlak syndrome 2. Last evaluated: 2020-10-27. Review status: criteria provided, single submitter. Criteria: Invitae Variant Classification Sherloc (09022015). Collection method: clinical testing. Allele origin: germline.
Comment: In summary, the available evidence is currently insufficient to determine the role of this variant in disease. Therefore, it has been classified as a Variant of Uncertain Significance. Algorithms developed to predict the effect of missense changes on protein structure and function output the following: SIFT: "Tolerated"; PolyPhen-2: "Benign"; Align-GVGD: "Class C0". The arginine amino acid residue is found in multiple mammalian species, suggesting that this missense change does not adversely affect protein function. These predictions have not been confirmed by published functional studies and their clinical significance is uncertain. This variant has not been reported in the literature in individuals with AP3B1-related conditions. This variant is present in population databases (rs780784576, ExAC 0.02%). This sequence change replaces lysine with arginine at codon 737 of the AP3B1 protein (p.Lys737Arg). The lysine residue is weakly conserved and there is a small physicochemical difference between lysine and arginine.